The following is an entry in ClinVar:

ClinVar aggregate classification (germline): Pathogenic (1 of 4 stars; one submission).

Conditions:
Joubert syndrome. Also called: CEREBELLOPARENCHYMAL DISORDER IV; JOUBERT-BOLTSHAUSER SYNDROME; Familial aplasia of the vermis. Identifiers: Orphanet 475, MedGen C5979921, MONDO:0018772.
Meckel-Gruber syndrome. Also called: DYSENCEPHALIA SPLANCHNOCYSTICA; GRUBER SYNDROME; Dysencephalia splachnocystica. Identifiers: Orphanet 564, MedGen C0265215, MONDO:0018921.

Submission:

Labcorp Genetics (formerly Invitae), Labcorp
Classification: Pathogenic for Joubert syndrome; Meckel-Gruber syndrome. Last evaluated: 2023-06-14. Review status: criteria provided, single submitter. Criteria: Invitae Variant Classification Sherloc (09022015). Collection method: clinical testing. Allele origin: germline.
Comment: This sequence change creates a premature translational stop signal (p.Trp378*) in the RPGRIP1L gene. It is expected to result in an absent or disrupted protein product. Loss-of-function variants in RPGRIP1L are known to be pathogenic (PMID: 17558409). This variant is not present in population databases (gnomAD no frequency). This variant has not been reported in the literature in individuals affected with RPGRIP1L-related conditions. For these reasons, this variant has been classified as Pathogenic.

Literature cited by the submitters: PubMed 17558409.

NM_015272.5(RPGRIP1L):c.1134del (p.Gln377_Trp378insTer)

Gene: RPGRIP1L (RPGRIP1 like; minus strand). Cytogenetic location: 16q12.2.
Variant type: Deletion.
Coding change: c.1134del on transcript NM_015272.5 (MANE Select); coding-DNA position 1134, one base deleted (G; older notation c.1134delG).
Protein change: p.Gln377_Trp378insTer.
Molecular consequence: nonsense.
Genome position (GRCh38, 1-based): chr16:53,664,979, C deleted on the plus strand (G on the coding strand, the reverse complement: RPGRIP1L is on the minus strand); the first of 2 consecutive C bases (chr16:53,664,979-53,664,980); deleting either gives the same sequence. VCF-style (leftmost placement, unchanged base first): chr16-53664978-TC-T. GRCh37 (hg19) VCF-style: chr16-53698890-TC-T.
Other names: c.1134del, p.Gln377_Trp378insTer (NM_001127897.4, NM_001308334.3, NM_001330538.2).
Identifiers: ClinVar variation 2940455 (VCV002940455.3), dbSNP rs2544400695, ClinGen allele CA2740093358.
Genomic context (GRCh38, chr16:53,664,978, plus strand): 5'-CAGACTTCAAGGCAGTCTCGAGCTGAGCAATCTGCACTTTCAGCTGTTGCTCCTTTAACT[TC>T]CATTGCTCTTCATGGGCAGCACTGAAGGCACTGCAAAACACACGTGACATGCAAGGAAAG-3'